The following is an entry in ClinVar:

NM_001042492.3(NF1):c.6356_6360del (p.Arg2119fs)

Gene: NF1 (neurofibromin 1; plus strand). Cytogenetic location: 17q11.2.
Variant type: Deletion.
Coding change: c.6356_6360del on transcript NM_001042492.3 (MANE Select); coding-DNA positions 6356 to 6360, 5 bases deleted (GAGCT; older notation c.6356_6360delGAGCT).
Protein change: p.Arg2119fs; shifts the reading frame from arginine 2119.
Molecular consequence: frameshift variant.
Genome position (GRCh38, 1-based): chr17:31,336,843-31,336,847, GAGCT deleted. VCF-style (leftmost placement, unchanged base first): chr17-31336842-AGAGCT-A. GRCh37 (hg19) VCF-style: chr17-29663860-AGAGCT-A.
Other names: c.6293_6297delGAGCT, p.Arg2098Ilefs (NM_000267.4); short protein forms R2119fs, R2098fs.
Identifiers: ClinVar variation 958619 (VCV000958619.6), dbSNP rs2069689101, ClinGen allele CA1139665445.

ClinVar aggregate classification (germline): Pathogenic (1 of 4 stars; one submission).

Conditions:
Neurofibromatosis, type 1 (NF1). Also called: Peripheral type neurofibromatosis; VON RECKLINGHAUSEN DISEASE; NEUROFIBROMATOSIS, TYPE I, SOMATIC; Neurofibromatosis, type I. Identifiers: Orphanet 636, MedGen C0027831, MONDO:0018975, OMIM 162200. Disease mechanism: loss of function.

Submission:

Labcorp Genetics (formerly Invitae), Labcorp
Classification: Pathogenic for Neurofibromatosis, type 1. Last evaluated: 2019-07-17. Review status: criteria provided, single submitter. Criteria: Invitae Variant Classification Sherloc (09022015). Collection method: clinical testing. Allele origin: germline.
Comment: This variant has not been reported in the literature in individuals with NF1-related conditions. This sequence change creates a premature translational stop signal (p.Arg2098Ilefs*8) in the NF1 gene. It is expected to result in an absent or disrupted protein product. This variant is not present in population databases (ExAC no frequency). Loss-of-function variants in NF1 are known to be pathogenic (PMID: 10712197, 23913538). For these reasons, this variant has been classified as Pathogenic.

Literature cited by the submitters: PubMed 10712197; PubMed 23913538.